The following is an entry in ClinVar:

ClinVar aggregate classification (germline): Benign/Likely benign. Review status: criteria provided, multiple submitters, no conflicts (2 of 4 stars). 4 submissions from 4 submitters: Benign (1); Likely benign (3). Last evaluated 2026-01-05.

Conditions:
Actin accumulation myopathy (CMYO2A). Also called: Myopathy, actin, congenital, with cores; Nemaline myopathy 3, with intranuclear rods; CONGENITAL MYOPATHY 2A, TYPICAL, AUTOSOMAL DOMINANT; Nemaline myopathy type 3; Myopathy, actin, congenital, with excess of thin myofilaments. Identifiers: Orphanet 98904, MedGen C3711389, MONDO:0008070, OMIM 161800.
Congenital myopathy with fiber type disproportion. Also called: Congenital fiber-type disproportion; Congenital fiber-type disproportion myopathy. Identifiers: Orphanet 2020, MedGen C0546264, MONDO:0009711. Inheritance: all.

Allele frequency attached by ClinVar (database versions not stated): gnomAD exomes 0.00003 and 0.00009; ExAC 0.00007; ESP Exome Variant Server 0.00008; gnomAD 0.00064 and 0.00066; 1000 Genomes Project 30x 0.00109; 1000 Genomes Project 0.00120; TOPMed 0.00138.

Submissions (4):

Labcorp Genetics (formerly Invitae), Labcorp
Classification: Likely benign for Actin accumulation myopathy. Last evaluated: 2026-01-05. Review status: criteria provided, single submitter. Criteria: Invitae Variant Classification Sherloc (09022015). Collection method: clinical testing. Allele origin: germline.

Illumina Laboratory Services, Illumina
Classification: Benign for Congenital myopathy 4A, autosomal dominant. Last evaluated: 2018-01-13. Review status: criteria provided, single submitter. Criteria: ICSL Variant Classification Criteria 13 December 2019. Collection method: clinical testing. Allele origin: germline.
Comment: This variant was observed in the ICSL laboratory as part of a predisposition screen in an ostensibly healthy population. It had not been previously curated by ICSL or reported in the Human Gene Mutation Database (HGMD: prior to June 1st, 2018), and was therefore a candidate for classification through an automated scoring system. Utilizing variant allele frequency, disease prevalence and penetrance estimates, and inheritance mode, an automated score was calculated to assess if this variant is too frequent to cause the disease. Based on the score and internal cut-off values, a variant classified as benign is not then subjected to further curation. The score for this variant resulted in a classification of benign for this disease.

GeneDx
Classification: Likely benign. Last evaluated: 2016-06-03. Review status: criteria provided, single submitter. Criteria: GeneDx Variant Classification (06012015). Collection method: clinical testing. Allele origin: germline. Affected: yes.
Comment: This variant is considered likely benign or benign based on one or more of the following criteria: it is a conservative change, it occurs at a poorly conserved position in the protein, it is predicted to be benign by multiple in silico algorithms, and/or has population frequency not consistent with disease.

Genetic Services Laboratory, University of Chicago
Classification: Likely benign for AllHighlyPenetrant. Last evaluated: 2013-08-26. Review status: criteria provided, single submitter. Criteria: ACMG Guidelines, 2007. Collection method: clinical testing. Allele origin: germline.

NM_001100.4(ACTA1):c.132C>T (p.Gly44=)

Gene: ACTA1 (actin alpha 1, skeletal muscle; minus strand). Cytogenetic location: 1q42.13.
Variant type: single nucleotide variant.
Coding change: c.132C>T on transcript NM_001100.4 (MANE Select); coding-DNA position 132, C replaced by T.
Protein change: p.Gly44=; no amino-acid change (glycine 44 retained).
Molecular consequence: synonymous variant.
Genome position (GRCh38, 1-based): chr1:229,432,878, G>A on the plus strand (C>T on the coding strand, the complement: ACTA1 is on the minus strand). VCF-style: chr1-229432878-G-A. GRCh37 (hg19) VCF-style: chr1-229568625-G-A.
Identifiers: ClinVar variation 128259 (VCV000128259.20), dbSNP rs146956806, ClinGen allele CA151565.